The following is an entry in ClinVar:

NM_017841.4(SDHAF2):c.*76C>T

Gene: SDHAF2 (succinate dehydrogenase complex assembly factor 2; plus strand). Cytogenetic location: 11q12.2.
Variant type: single nucleotide variant.
Coding change: c.*76C>T on transcript NM_017841.4 (MANE Select); 76 bases downstream of the stop codon, C replaced by T.
Molecular consequence: 3 prime UTR variant.
Genome position (GRCh38, 1-based): chr11:61,446,147, C>T. VCF-style: chr11-61446147-C-T. GRCh37 (hg19) VCF-style: chr11-61213619-C-T.
Identifiers: ClinVar variation 305095 (VCV000305095.5), dbSNP rs112750991, ClinGen allele CA10639474.

ClinVar aggregate classification (germline): Benign (1 of 4 stars; one submission).

Conditions:
Hereditary pheochromocytoma and paraganglioma. Also called: Hereditary Paraganglioma-Pheochromocytoma Syndromes; Hereditary paragangliomas and pheochromocytomas; Hereditary pheochromocytoma-paraganglioma. Identifiers: Orphanet 29072, MedGen C4274332, MONDO:0017366.

Allele frequency attached by ClinVar (database versions not stated): 1000 Genomes Project 0.00040; 1000 Genomes Project 30x 0.00047; gnomAD 0.00086; TOPMed 0.00124.
gnomAD v4.1: 3,003 of 1,577,010 alleles (0.19%); highest among the groups gnomAD compares: Non-Finnish European, 0.24%; 3 homozygotes.

Submission:

Illumina Laboratory Services, Illumina
Classification: Benign for Hereditary Paraganglioma-Pheochromocytoma Syndromes. Last evaluated: 2018-01-13. Review status: criteria provided, single submitter. Criteria: ICSL Variant Classification Criteria 13 December 2019. Collection method: clinical testing. Allele origin: germline.
Comment: This variant was observed in the ICSL laboratory as part of a predisposition screen in an ostensibly healthy population. It had not been previously curated by ICSL or reported in the Human Gene Mutation Database (HGMD: prior to June 1st, 2018), and was therefore a candidate for classification through an automated scoring system. Utilizing variant allele frequency, disease prevalence and penetrance estimates, and inheritance mode, an automated score was calculated to assess if this variant is too frequent to cause the disease. Based on the score and internal cut-off values, a variant classified as benign is not then subjected to further curation. The score for this variant resulted in a classification of benign for this disease.